The following is an entry in ClinVar:

NM_182919.4(TICAM1):c.197C>T (p.Ala66Val)

Gene: TICAM1 (TIR domain containing adaptor molecule 1; minus strand). Cytogenetic location: 19p13.3.
Variant type: single nucleotide variant.
Coding change: c.197C>T on transcript NM_182919.4 (MANE Select); coding-DNA position 197, C replaced by T.
Protein change: p.Ala66Val; replaces alanine 66 with valine.
Molecular consequence: missense variant. On other transcripts: intron variant (1).
Genome position (GRCh38, 1-based): chr19:4,818,181, G>A on the plus strand (C>T on the coding strand, the complement: TICAM1 is on the minus strand). VCF-style: chr19-4818181-G-A. GRCh37 (hg19) VCF-style: chr19-4818193-G-A.
Other names: c.155C>T, p.Ala52Val (NM_001385678.1); c.62C>T, p.Ala21Val (NM_001385679.1); c.-72+203C>T (NM_001385680.1); short protein forms A66V, A21V, A52V.
Identifiers: ClinVar variation 575717 (VCV000575717.9), dbSNP rs1437926927, ClinGen allele CA403493330.

ClinVar aggregate classification (germline): Uncertain significance (1 of 4 stars; one submission).

Conditions:
Encephalopathy, acute, infection-induced (herpes-specific), susceptibility to, 6. Also called: Herpes simplex encephalitis, susceptibility to, 4. Identifiers: Orphanet 1930, MedGen C3553869, MONDO:0013921, OMIM 614850.

Allele frequency attached by ClinVar (database versions not stated): TOPMed below 0.00001; gnomAD exomes below 0.00001; gnomAD 0.00001.

Submission:

Labcorp Genetics (formerly Invitae), Labcorp
Classification: Uncertain significance for Encephalopathy, acute, infection-induced (herpes-specific), susceptibility to, 6. Last evaluated: 2020-02-01. Review status: criteria provided, single submitter. Criteria: Invitae Variant Classification Sherloc (09022015). Collection method: clinical testing. Allele origin: germline.
Comment: This variant has not been reported in the literature in individuals with TICAM1-related disease. This variant is not present in population databases (ExAC no frequency). This sequence change replaces alanine with valine at codon 66 of the TICAM1 protein (p.Ala66Val). The alanine residue is moderately conserved and there is a small physicochemical difference between alanine and valine. Algorithms developed to predict the effect of missense changes on protein structure and function (SIFT, PolyPhen-2, Align-GVGD) all suggest that this variant is likely to be tolerated, but these predictions have not been confirmed by published functional studies and their clinical significance is uncertain. In summary, the available evidence is currently insufficient to determine the role of this variant in disease. Therefore, it has been classified as a Variant of Uncertain Significance. Algorithms developed to predict the effect of sequence changes on RNA splicing suggest that this variant may create or strengthen a splice site, but this prediction has not been confirmed by published transcriptional studies.